The following is an entry in ClinVar:

NM_001035.3(RYR2):c.4585A>C (p.Thr1529Pro)

Gene: RYR2 (ryanodine receptor 2; plus strand). Cytogenetic location: 1q43.
Variant type: single nucleotide variant.
Coding change: c.4585A>C on transcript NM_001035.3 (MANE Select); coding-DNA position 4585, A replaced by C.
Protein change: p.Thr1529Pro; replaces threonine 1529 with proline.
Molecular consequence: missense variant.
Genome position (GRCh38, 1-based): chr1:237,595,646, A>C. VCF-style: chr1-237595646-A-C. GRCh37 (hg19) VCF-style: chr1-237758946-A-C.
Other names: p.T1529P:ACA>CCA; c.4585A>C, p.Thr1529Pro (LRG_402t1); short protein forms T1529P.
Identifiers: ClinVar variation 201248 (VCV000201248.12), dbSNP rs765195072, ClinGen allele CA009559.

ClinVar aggregate classification (germline): Conflicting classifications of pathogenicity. Review status: criteria provided, conflicting classifications (1 of 4 stars). 7 submissions from 7 submitters: Uncertain significance (6); Likely benign (1). Last evaluated 2025-07-22.

Conditions:
Cardiovascular phenotype. Identifiers: MedGen CN230736.
Catecholaminergic polymorphic ventricular tachycardia (CVPT). Also called: Catecholamine-induced polymorphic ventricular tachycardia. Identifiers: Orphanet 3286, MedGen C5574922, MONDO:0017990.
Cardiomyopathy (CMYO). Also called: Cardiomyopathies. Identifiers: Orphanet 167848, MedGen C0878544, MONDO:0004994, HP:0001638. Inheritance: Various modes of inheritance.
Catecholaminergic polymorphic ventricular tachycardia 1. Also called: VENTRICULAR TACHYCARDIA, CATECHOLAMINERGIC POLYMORPHIC, 1, WITH OR WITHOUT ATRIAL DYSFUNCTION AND/OR DILATED CARDIOMYOPATHY; VENTRICULAR TACHYCARDIA, STRESS-INDUCED POLYMORPHIC 1; RYR2-Related Catecholaminergic Polymorphic Ventricular Tachycardia. Identifiers: Orphanet 3286, MedGen C1631597, MONDO:0011484, OMIM 604772.

Allele frequency attached by ClinVar (database versions not stated): ExAC 0.00001; gnomAD 0.00001; gnomAD exomes 0.00001; TOPMed 0.00001.
gnomAD v4.1: 15 of 1,611,650 alleles (0.00093%); highest among the groups gnomAD compares: Middle Eastern, 0.016%; 1 homozygote.

Submissions (7):

Labcorp Genetics (formerly Invitae), Labcorp
Classification: Uncertain significance for Catecholaminergic polymorphic ventricular tachycardia 1. Last evaluated: 2025-07-22. Review status: criteria provided, single submitter. Criteria: Invitae Variant Classification Sherloc (09022015). Collection method: clinical testing. Allele origin: germline.
Comment: This sequence change replaces threonine, which is neutral and polar, with proline, which is neutral and non-polar, at codon 1529 of the RYR2 protein (p.Thr1529Pro). This variant is present in population databases (rs765195072, gnomAD 0.003%). This variant has not been reported in the literature in individuals affected with RYR2-related conditions. ClinVar contains an entry for this variant (Variation ID: 201248). Invitae Evidence Modeling of protein sequence and biophysical properties (such as structural, functional, and spatial information, amino acid conservation, physicochemical variation, residue mobility, and thermodynamic stability) indicates that this missense variant is not expected to disrupt RYR2 protein function with a negative predictive value of 95%. In summary, the available evidence is currently insufficient to determine the role of this variant in disease. Therefore, it has been classified as a Variant of Uncertain Significance.

Molecular Diagnostic Laboratory for Inherited Cardiovascular Disease, Montreal Heart Institute
Classification: Uncertain significance for Cardiovascular phenotype. Last evaluated: 2025-04-09. Review status: criteria provided, single submitter. Criteria: ACMG Guidelines, 2015. Collection method: clinical testing. Allele origin: germline. Affected: yes.
Comment: PM2, PP2, PP3

Ambry Genetics
Classification: Uncertain significance for Cardiovascular phenotype. Last evaluated: 2024-02-12. Review status: criteria provided, single submitter. Criteria: Ambry Variant Classification Scheme 2023. Collection method: clinical testing. Allele origin: germline.
Comment: The p.T1529P variant (also known as c.4585A>C), located in coding exon 34 of the RYR2 gene, results from an A to C substitution at nucleotide position 4585. The threonine at codon 1529 is replaced by proline, an amino acid with highly similar properties. This amino acid position is well conserved in available vertebrate species. In addition, this alteration is predicted to be deleterious by in silico analysis. Since supporting evidence is limited at this time, the clinical significance of this alteration remains unclear.

All of Us Research Program, National Institutes of Health
Classification: Uncertain significance for Catecholaminergic polymorphic ventricular tachycardia. Last evaluated: 2023-07-10. Review status: criteria provided, single submitter. Criteria: ACMG Guidelines, 2015. Collection method: clinical testing. Allele origin: germline. Inheritance: Autosomal dominant inheritance. Observed: 2 variant alleles, 2 heterozygotes.
Comment: This missense variant replaces threonine with proline at codon 1529 of the RYR2 protein. Computational prediction is inconclusive regarding the impact of this variant on protein structure and function (internally defined REVEL score threshold 0.5 < inconclusive < 0.7, PMID: 27666373). To our knowledge, functional studies have not been reported for this variant. This variant has not been reported in individuals affected with cardiovascular disorders in the literature. This variant has been identified in 2/244280 chromosomes in the general population by the Genome Aggregation Database (gnomAD). The available evidence is insufficient to determine the role of this variant in disease conclusively. Therefore, this variant is classified as a Variant of Uncertain Significance.

This study involves interpretation of variants in research participants for the purpose of population health screening. Participant phenotype was not available at the time of variant classification. Additional details can be found in publication PMID: 35346344, PMCID: PMC8962531

Color Diagnostics, LLC DBA Color Health
Classification: Uncertain significance for Cardiomyopathy. Last evaluated: 2023-02-06. Review status: criteria provided, single submitter. Criteria: ACMG Guidelines, 2015. Collection method: clinical testing. Allele origin: germline.
Comment: This missense variant replaces threonine with proline at codon 1529 of the RYR2 protein. Computational prediction is inconclusive regarding the impact of this variant on protein structure and function (internally defined REVEL score threshold 0.5 < inconclusive < 0.7, PMID: 27666373). To our knowledge, functional studies have not been reported for this variant. This variant has not been reported in individuals affected with cardiovascular disorders in the literature. This variant has been identified in 2/244280 chromosomes in the general population by the Genome Aggregation Database (gnomAD). The available evidence is insufficient to determine the role of this variant in disease conclusively. Therefore, this variant is classified as a Variant of Uncertain Significance.

Blueprint Genetics
Classification: Likely benign. Last evaluated: 2019-03-08. Review status: criteria provided, single submitter. Criteria: ACMG Guidelines, 2015. Collection method: clinical testing. Allele origin: germline.

GeneDx
Classification: Uncertain significance. Last evaluated: 2018-04-18. Review status: criteria provided, single submitter. Criteria: GeneDx Variant Classification (06012015). Collection method: clinical testing. Allele origin: germline. Affected: yes.
Comment: The T1529P variant of uncertain significance in the RYR2 gene has not been published as pathogenic or been reported as benign to our knowledge. The T1529P variant is not observed at a significant frequency in large population cohorts (Lek et al., 2016). The T1529P variant is a non-conservative amino acid substitution, which is likely to impact secondary protein structure as these residues differ in polarity, charge, size and/or other properties. Additionally, in-silico analyses, including protein predictors and evolutionary conservation, support a deleterious effect. Nevertheless, the T1529P variant is not located in one of the three hot-spot regions of the RYR2 gene, where the majority of pathogenic missense variants occur (Medeiros-Domingo et al., 2009).

Literature cited by the submitters: PubMed 28404607 (cited by Ambry Genetics); PubMed 32746448 (cited by Ambry Genetics).